The following is an entry in ClinVar:

ClinVar aggregate classification (germline): Uncertain significance (1 of 4 stars; one submission).

Submission:

GeneDx
Classification: Uncertain significance. Last evaluated: 2024-04-26. Review status: criteria provided, single submitter. Criteria: GeneDx Variant Classification Process June 2021. Collection method: clinical testing. Allele origin: germline. Affected: yes.
Comment: Not observed at significant frequency in large population cohorts (gnomAD); In silico analysis indicates that this missense variant does not alter protein structure/function; Has not been previously published as pathogenic or benign to our knowledge

NM_001134232.2(TMEM106B):c.776A>G (p.Tyr259Cys)

Gene: TMEM106B (transmembrane protein 106B; plus strand). Cytogenetic location: 7p21.3.
Variant type: single nucleotide variant.
Coding change: c.776A>G on transcript NM_001134232.2 (MANE Select); coding-DNA position 776, A replaced by G.
Protein change: p.Tyr259Cys; replaces tyrosine 259 with cysteine.
Molecular consequence: missense variant.
Genome position (GRCh38, 1-based): chr7:12,231,926, A>G. VCF-style: chr7-12231926-A-G. GRCh37 (hg19) VCF-style: chr7-12271552-A-G.
Other names: c.776A>G, p.Tyr259Cys (NM_018374.4); short protein forms Y259C.
Identifiers: ClinVar variation 3372803 (VCV003372803.1).